The following is an entry in ClinVar:

NC_000023.10:g.(?_22056567)_(22056675_?)del

Gene: PHEX (phosphate regulating endopeptidase X-linked; plus strand). Cytogenetic location: Xp22.11.
Variant type: Deletion.
Identifiers: ClinVar variation 1497526 (VCV001497526.4).

ClinVar aggregate classification (germline): Pathogenic (1 of 4 stars; one submission).

Submission:

Labcorp Genetics (formerly Invitae), Labcorp
Classification: Pathogenic. Last evaluated: 2023-12-22. Review status: criteria provided, single submitter. Criteria: Invitae Variant Classification Sherloc (09022015). Collection method: clinical testing. Allele origin: germline.
Comment: This variant is a gross deletion of the genomic region encompassing exon(s) 2 of the PHEX gene. This variant would be expected to be in-frame, preserving the integrity of the reading frame. A similar copy number variant has been observed in individuals with hypophosphatemic rickets (PMID: 30682568, 32329911; Invitae). For these reasons, this variant has been classified as Pathogenic.

Literature cited by the submitters: PubMed 30682568; PubMed 32329911.